The following is an entry in ClinVar:

ClinVar aggregate classification (germline): Likely benign. Review status: criteria provided, multiple submitters, no conflicts (2 of 4 stars). 2 submissions from 2 submitters: Likely benign (2). Last evaluated 2025-12-19.

Conditions:
CEP164-related disorder. Also called: CEP164-related condition.
Nephronophthisis 15 (NPHP15). Identifiers: Orphanet 3156, MedGen C3541853, MONDO:0013917, OMIM 614845.

Submissions (2):

Labcorp Genetics (formerly Invitae), Labcorp
Classification: Likely benign for Nephronophthisis 15. Last evaluated: 2025-12-19. Review status: criteria provided, single submitter. Criteria: Invitae Variant Classification Sherloc (09022015). Collection method: clinical testing. Allele origin: germline.

PreventionGenetics, part of Exact Sciences
Classification: Likely benign for CEP164-related condition. Last evaluated: 2024-11-21. Review status: criteria provided, single submitter. Criteria: ACMG Guidelines, 2015. Collection method: clinical testing. Allele origin: germline.
Comment: This variant is classified as likely benign based on ACMG/AMP sequence variant interpretation guidelines (Richards et al. 2015 PMID: 25741868, with internal and published modifications).

NM_014956.5(CEP164):c.766-16_766-9del

Gene: CEP164 (centrosomal protein 164; plus strand). Cytogenetic location: 11q23.3.
Variant type: Deletion.
Coding change: c.766-16_766-9del on transcript NM_014956.5 (MANE Select); 16 bases into the intron before coding-DNA position 766 through 9 bases into the intron before coding-DNA position 766, 8 bases deleted (GTCTGTTG; older notation c.766-16_766-9delGTCTGTTG).
Molecular consequence: intron variant.
Genome position (GRCh38, 1-based): chr11:117,371,064-117,371,071, GTCTGTTG deleted; deleting any 8 consecutive bases within chr11:117,371,062-117,371,071 gives the same sequence; the c. name uses the placement nearest the transcript's 3' end. VCF-style (leftmost placement, unchanged base first): chr11-117371061-ATGGTCTGT-A. GRCh37 (hg19) VCF-style: chr11-117241777-ATGGTCTGT-A.
Other names: c.766-16_766-9del (NM_001271933.2); c.766-16_766-9del8 (NM_014956.4).
Identifiers: ClinVar variation 3003294 (VCV003003294.4), dbSNP rs1262539221, ClinGen allele CA601844974.
Genomic context (GRCh38, chr11:117,371,061, plus strand): 5'-TTTCCATCTTGTAGCATGTCTCAACTCCTTTTGCACATTCCTTTTGTCTTCCTTTCTAAC[ATGGTCTGT>A]TGCTCCCTAGGAGTCTCTGAGAACAAGCCAGCCAGAGGAGAAGAAGGATGTTTCTCTGGA-3'